The following is an entry in ClinVar:

NM_001029883.3(PCARE):c.1509T>A (p.Cys503Ter)

Gene: PCARE (photoreceptor cilium actin regulator; minus strand). Cytogenetic location: 2p23.2.
Variant type: single nucleotide variant.
Coding change: c.1509T>A on transcript NM_001029883.3 (MANE Select); coding-DNA position 1509, T replaced by A.
Protein change: p.Cys503Ter; replaces cysteine 503 with a stop codon.
Molecular consequence: nonsense.
Genome position (GRCh38, 1-based): chr2:29,072,753, A>T on the plus strand (T>A on the coding strand, the complement: PCARE is on the minus strand). VCF-style: chr2-29072753-A-T. GRCh37 (hg19) VCF-style: chr2-29295619-A-T.
Other names: short protein forms C503*.
Identifiers: ClinVar variation 3668642 (VCV003668642.2).

ClinVar aggregate classification (germline): Pathogenic (1 of 4 stars; one submission).

Submission:

Labcorp Genetics (formerly Invitae), Labcorp
Classification: Pathogenic. Last evaluated: 2024-05-10. Review status: criteria provided, single submitter. Criteria: Invitae Variant Classification Sherloc (09022015). Collection method: clinical testing. Allele origin: germline.
Comment: This sequence change creates a premature translational stop signal (p.Cys503*) in the PCARE gene. It is expected to result in an absent or disrupted protein product. Loss-of-function variants in PCARE are known to be pathogenic (PMID: 20398886, 24339724, 26496393). This variant is not present in population databases (gnomAD no frequency). This variant has not been reported in the literature in individuals affected with PCARE-related conditions. For these reasons, this variant has been classified as Pathogenic.

Literature cited by the submitters: PubMed 20398886; PubMed 24339724; PubMed 26496393.